The following is an entry in ClinVar:

NM_032119.4(ADGRV1):c.7508A>G (p.Tyr2503Cys)

Gene: ADGRV1 (adhesion G protein-coupled receptor V1; plus strand). Cytogenetic location: 5q14.3.
Variant type: single nucleotide variant.
Coding change: c.7508A>G on transcript NM_032119.4 (MANE Select); coding-DNA position 7508, A replaced by G.
Protein change: p.Tyr2503Cys; replaces tyrosine 2503 with cysteine.
Molecular consequence: missense variant. On other transcripts: non-coding transcript variant (1).
Genome position (GRCh38, 1-based): chr5:90,694,264, A>G. VCF-style: chr5-90694264-A-G. GRCh37 (hg19) VCF-style: chr5-89990081-A-G.
Other names: c.7508A>G (NM_032119.3); short protein forms Y2503C.
Identifiers: ClinVar variation 1043622 (VCV001043622.9), dbSNP rs895520235, ClinGen allele CA122797355.

ClinVar aggregate classification (germline): Uncertain significance. Review status: criteria provided, multiple submitters, no conflicts (2 of 4 stars). 4 submissions from 4 submitters: Uncertain significance (4). Last evaluated 2026-01-09.

Conditions:
ADGRV1-related disorder. Also called: ADGRV1-related condition; ADGRV1-related disorders.

Allele frequency attached by ClinVar (database versions not stated): gnomAD 0.00001; gnomAD exomes 0.00001.
gnomAD v4.1: 21 of 1,613,858 alleles (0.0013%); highest among the groups gnomAD compares: South Asian, 0.0077%; no homozygotes.

Submissions (4):

GeneDx
Classification: Uncertain significance. Last evaluated: 2026-01-09. Review status: criteria provided, single submitter. Criteria: GeneDx Variant Classification Process June 2021. Collection method: clinical testing. Allele origin: germline.
Comment: Not observed at significant frequency in large population cohorts (gnomAD); In silico analysis supports that this missense variant has a deleterious effect on protein structure/function; Has not been previously published as pathogenic or benign to our knowledge

PreventionGenetics, part of Exact Sciences
Classification: Uncertain significance for ADGRV1-related condition. Last evaluated: 2025-06-03. Review status: criteria provided, single submitter. Criteria: ACMG Guidelines, 2015. Collection method: clinical testing. Allele origin: germline.
Comment: The ADGRV1 c.7508A>G variant is predicted to result in the amino acid substitution p.Tyr2503Cys. To our knowledge, this variant has not been reported in the literature. This variant is reported in 0.0033% of alleles in individuals of South Asian descent in gnomAD. At this time, the clinical significance of this variant is uncertain due to the absence of conclusive functional and genetic evidence.

Labcorp Genetics (formerly Invitae), Labcorp
Classification: Uncertain significance. Last evaluated: 2021-08-27. Review status: criteria provided, single submitter. Criteria: Invitae Variant Classification Sherloc (09022015). Collection method: clinical testing. Allele origin: germline.
Comment: This sequence change replaces tyrosine with cysteine at codon 2503 of the ADGRV1 protein (p.Tyr2503Cys). The tyrosine residue is moderately conserved and there is a large physicochemical difference between tyrosine and cysteine. This variant is not present in population databases (ExAC no frequency). This variant has not been reported in the literature in individuals affected with ADGRV1-related conditions. Algorithms developed to predict the effect of missense changes on protein structure and function are either unavailable or do not agree on the potential impact of this missense change (SIFT: "Deleterious"; PolyPhen-2: "Probably Damaging"; Align-GVGD: "Class C0"). Algorithms developed to predict the effect of sequence changes on RNA splicing suggest that this variant may create or strengthen a splice site. In summary, the available evidence is currently insufficient to determine the role of this variant in disease. Therefore, it has been classified as a Variant of Uncertain Significance.

Blueprint Genetics
Classification: Uncertain significance. Last evaluated: 2020-02-25. Review status: criteria provided, single submitter. Criteria: ACMG Guidelines, 2015. Collection method: clinical testing. Allele origin: germline.